The following is an entry in ClinVar:

NC_000005.10:g.112707328A>G

Gene: APC (APC regulator of Wnt signaling pathway; plus strand). Cytogenetic location: 5q22.2.
Variant type: single nucleotide variant.
Genome position: GRCh38 VCF-style: chr5-112707328-A-G. GRCh37 (hg19) VCF-style: chr5-112043025-A-G.
Identifiers: ClinVar variation 4811137 (VCV004811137.1).

ClinVar aggregate classification (germline): Uncertain significance (1 of 4 stars; one submission).

Conditions:
Familial adenomatous polyposis 1 (FAP1). Also called: FAMILIAL ADENOMATOUS POLYPOSIS 1, ATTENUATED; POLYPOSIS, ADENOMATOUS INTESTINAL. Identifiers: MedGen C2713442, MONDO:0021056, OMIM 175100. Disease mechanism: loss of function.

Submission:

Labcorp Genetics (formerly Invitae), Labcorp
Classification: Uncertain significance for Familial adenomatous polyposis 1. Last evaluated: 2025-08-30. Review status: criteria provided, single submitter. Criteria: Invitae Variant Classification Sherloc (09022015). Collection method: clinical testing. Allele origin: germline.
Comment: This variant occurs in a non-coding region of the APC gene. It does not change the encoded amino acid sequence of the APC protein. This variant is not present in population databases (gnomAD no frequency). This variant has not been reported in the literature in individuals affected with APC-related conditions. Experimental studies and prediction algorithms are not available or were not evaluated, and the functional significance of this variant is currently unknown. In summary, the available evidence is currently insufficient to determine the role of this variant in disease. Therefore, it has been classified as a Variant of Uncertain Significance.